The following is an entry in ClinVar:

NM_005236.3(ERCC4):c.2199C>T (p.Ile733=)

Gene: ERCC4 (ERCC excision repair 4, endonuclease catalytic subunit; plus strand). Cytogenetic location: 16p13.12.
Variant type: single nucleotide variant.
Coding change: c.2199C>T on transcript NM_005236.3 (MANE Select); coding-DNA position 2199, C replaced by T.
Protein change: p.Ile733=; no amino-acid change (isoleucine 733 retained).
Molecular consequence: synonymous variant.
Genome position (GRCh38, 1-based): chr16:13,947,795, C>T. VCF-style: chr16-13947795-C-T. GRCh37 (hg19) VCF-style: chr16-14041652-C-T.
Identifiers: ClinVar variation 317819 (VCV000317819.19), dbSNP rs372425414, ClinGen allele CA7910701.

ClinVar aggregate classification (germline): Conflicting classifications of pathogenicity. Review status: criteria provided, conflicting classifications (1 of 4 stars). 3 submissions from 3 submitters: Uncertain significance (1); Likely benign (2). Last evaluated 2025-12-14.

Conditions:
Xeroderma pigmentosum, group F (XPF). Also called: XERODERMA PIGMENTOSUM, TYPE F; Xeroderma pigmentosum, type 6; XERODERMA PIGMENTOSUM, COMPLEMENTATION GROUP F; XERODERMA PIGMENTOSUM VI; XP, GROUP F; ERCC4-Related Xeroderma Pigmentosum. Identifiers: MedGen C0268140, MONDO:0010215, OMIM 278760.
Fanconi anemia complementation group Q. Identifiers: Orphanet 84, MedGen C3808988, MONDO:0014108, OMIM 615272.
Cockayne syndrome. Identifiers: Orphanet 191, MedGen C0009207, MONDO:0016006.

Allele frequency attached by ClinVar (database versions not stated): gnomAD 0.00001 and 0.00002; TOPMed 0.00001; gnomAD exomes 0.00004; ExAC 0.00005; ESP Exome Variant Server 0.00008.
gnomAD v4.1: 28 of 1,614,098 alleles (0.0017%); highest among the groups gnomAD compares: South Asian, 0.023%; no homozygotes.

Submissions (3):

Labcorp Genetics (formerly Invitae), Labcorp
Classification: Likely benign for Fanconi anemia complementation group Q; Xeroderma pigmentosum, group F; Cockayne syndrome. Last evaluated: 2025-12-14. Review status: criteria provided, single submitter. Criteria: Invitae Variant Classification Sherloc (09022015). Collection method: clinical testing. Allele origin: germline.

CeGaT Center for Human Genetics Tuebingen
Classification: Likely benign. Last evaluated: 2025-11-01. Review status: criteria provided, single submitter. Criteria: CeGaT Center For Human Genetics Tuebingen Variant Classification Criteria Version 2. Collection method: clinical testing. Allele origin: germline. Affected: yes. Observed: 1 variant allele.
Comment: ERCC4: BP4, BP7

Illumina Laboratory Services, Illumina
Classification: Uncertain significance for Xeroderma pigmentosum, group F. Last evaluated: 2018-01-13. Review status: criteria provided, single submitter. Criteria: ICSL Variant Classification Criteria 13 December 2019. Collection method: clinical testing. Allele origin: germline.